The following is an entry in ClinVar:

NM_019066.5(MAGEL2):c.2611G>C (p.Ala871Pro)

Gene: MAGEL2 (MAGE family member L2; minus strand). Cytogenetic location: 15q11.2.
Variant type: single nucleotide variant.
Coding change: c.2611G>C on transcript NM_019066.5 (MANE Select); coding-DNA position 2611, G replaced by C.
Protein change: p.Ala871Pro; replaces alanine 871 with proline.
Molecular consequence: missense variant.
Genome position (GRCh38, 1-based): chr15:23,645,132, C>G on the plus strand (G>C on the coding strand, the complement: MAGEL2 is on the minus strand). VCF-style: chr15-23645132-C-G. GRCh37 (hg19) VCF-style: chr15-23890279-C-G.
Other names: short protein forms A871P.
Identifiers: ClinVar variation 4883123 (VCV004883123.2).

ClinVar aggregate classification (germline): Uncertain significance (1 of 4 stars; one submission).

Conditions:
Schaaf-Yang syndrome (SHFYNG). Also called: Arthrogryposis, distal, with hypopituitarism, intellectual disability, and facial anomalies; MAGEL2-related Prader-Willi-like syndrome. Identifiers: Orphanet 398069, MedGen C5575066, MONDO:0014243, OMIM 615547.

gnomAD v4.1: 91 of 1,613,640 alleles (0.0056%); highest among the groups gnomAD compares: East Asian, 0.2%; no homozygotes.

Submission:

Dasa
Classification: Uncertain significance for Schaaf-Yang syndrome. Last evaluated: 2025-11-26. Review status: criteria provided, single submitter. Criteria: DASA Assertion Criteria. Collection method: clinical testing. Allele origin: germline.
Comment: NM_019066.5(MAGEL2):c.2611G>C (p.Ala871Pro) is a missense variant that results in the substitution of alanine with proline. This classification is supported by population frequency inconsistent with a disease-causing role. The currently available literature and clinical evidence are not sufficient to establish a definitive association between this variant and the reported condition. Therefore, this variant is classified as a variant of uncertain significance.